The following is an entry in ClinVar:

NM_000302.4(PLOD1):c.166C>T (p.Gln56Ter)

Gene: PLOD1 (procollagen-lysine,2-oxoglutarate 5-dioxygenase 1; plus strand). Cytogenetic location: 1p36.22.
Variant type: single nucleotide variant.
Coding change: c.166C>T on transcript NM_000302.4 (MANE Select); coding-DNA position 166, C replaced by T.
Protein change: p.Gln56Ter; replaces glutamine 56 with a stop codon.
Molecular consequence: nonsense.
Genome position (GRCh38, 1-based): chr1:11,948,065, C>T. VCF-style: chr1-11948065-C-T. GRCh37 (hg19) VCF-style: chr1-12008122-C-T.
Other names: c.307C>T, p.Gln103Ter (NM_001316320.2); short protein forms Q56*, Q103*.
Identifiers: ClinVar variation 520105 (VCV000520105.8), dbSNP rs1433428588, ClinGen allele CA338425972.

ClinVar aggregate classification (germline): Pathogenic. Review status: criteria provided, multiple submitters, no conflicts (2 of 4 stars). 2 submissions from 2 submitters: Pathogenic (2). Last evaluated 2023-04-18.

Conditions:
Familial thoracic aortic aneurysm and aortic dissection (TAAD). Also called: Thoracic aortic aneurysms and dissections. Identifiers: Orphanet 91387, MedGen C4707243, MONDO:0019625.
Ehlers-Danlos syndrome, kyphoscoliotic type 1 (EDSKSCL1). Also called: EHLERS-DANLOS SYNDROME, OCULAR-SCOLIOTIC TYPE; Ehlers-Danlos syndrome, hydroxylysine-deficient; PLOD1-Related Kyphoscoliotic Ehlers-Danlos Syndrome; EHLERS-DANLOS SYNDROME, TYPE VIA. Identifiers: Orphanet 1900, MedGen C0268342, MONDO:0016002, OMIM 225400. Disease mechanism: loss of function.

Allele frequency attached by ClinVar (database versions not stated): gnomAD 0.00001; TOPMed 0.00001.
gnomAD v4.1: 2 of 1,610,202 alleles (0.00012%); highest among the groups gnomAD compares: African/African-American, 0.0027%; no homozygotes.

Submissions (2):

Labcorp Genetics (formerly Invitae), Labcorp
Classification: Pathogenic for Ehlers-Danlos syndrome, kyphoscoliotic type 1. Last evaluated: 2023-04-18. Review status: criteria provided, single submitter. Criteria: Invitae Variant Classification Sherloc (09022015). Collection method: clinical testing. Allele origin: germline.
Comment: For these reasons, this variant has been classified as Pathogenic. ClinVar contains an entry for this variant (Variation ID: 520105). This variant has not been reported in the literature in individuals affected with PLOD1-related conditions. This variant is not present in population databases (gnomAD no frequency). This sequence change creates a premature translational stop signal (p.Gln56*) in the PLOD1 gene. It is expected to result in an absent or disrupted protein product. Loss-of-function variants in PLOD1 are known to be pathogenic (PMID: 10874315, 21699693).

Ambry Genetics
Classification: Pathogenic for Familial thoracic aortic aneurysm and aortic dissection. Last evaluated: 2016-04-05. Review status: criteria provided, single submitter. Criteria: Ambry Variant Classification Scheme 2023. Collection method: clinical testing. Allele origin: germline.
Comment: The p.Q56* pathogenic mutation (also known as c.166C>T), located in coding exon 2 of the PLOD1 gene, results from a C to T substitution at nucleotide position 166. This changes the amino acid from a glutamine to a stop codon within coding exon 2. Since premature stop codons are typically deleterious in nature, this alteration is interpreted as a disease-causing mutation (ACMG Recommendations for Standards for Interpretation and Reporting of Sequence Variations. Revision 2007. Genet Med. 2008;10:294).

Literature cited by the submitters: PubMed 10874315 (cited by Labcorp Genetics (formerly Invitae), Labcorp); PubMed 21699693 (cited by Labcorp Genetics (formerly Invitae), Labcorp).